The following is an entry in ClinVar:

NM_001365536.1(SCN9A):c.4035C>T (p.Gly1345=)

Genes: SCN9A (sodium voltage-gated channel alpha subunit 9; minus strand), SCN1A-AS1 (SCN1A and SCN9A antisense RNA 1; plus strand). Cytogenetic location: 2q24.3.
Variant type: single nucleotide variant.
Coding change: c.4035C>T on transcript NM_001365536.1 (MANE Select); coding-DNA position 4035, C replaced by T.
Protein change: p.Gly1345=; no amino-acid change (glycine 1345 retained).
Molecular consequence: synonymous variant.
Genome position (GRCh38, 1-based): chr2:166,228,862, G>A on the plus strand (C>T on the coding strand, the complement: SCN9A is on the minus strand). VCF-style: chr2-166228862-G-A. GRCh37 (hg19) VCF-style: chr2-167085372-G-A.
Other names: c.4002C>T, p.Gly1334= (NM_002977.4).
Identifiers: ClinVar variation 3751777 (VCV003751777.2).

ClinVar aggregate classification (germline): Uncertain significance (1 of 4 stars; one submission).

Conditions:
Neuropathy, hereditary sensory and autonomic, type 2A (HSAN2A). Also called: MORVAN DISEASE; NEUROPATHY, CONGENITAL SENSORY; NEUROPATHY, HEREDITARY SENSORY RADICULAR, AUTOSOMAL RECESSIVE; NEUROPATHY, HEREDITARY SENSORY, TYPE IIA; NEUROPATHY, PROGRESSIVE SENSORY, OF CHILDREN; ACROOSTEOLYSIS, GIACCAI TYPE. Identifiers: Orphanet 970, MedGen C2752089, MONDO:0024309, OMIM 201300.
Generalized epilepsy with febrile seizures plus, type 7 (GEFSP7). Also called: GEFS+, TYPE 7. Identifiers: Orphanet 36387, MedGen C2751778, MONDO:0013470, OMIM 613863.

gnomAD v4.1: 1 of 1,613,802 alleles (0.000062%); highest among the groups gnomAD compares: Non-Finnish European, 0.000085%; no homozygotes.

Submission:

Labcorp Genetics (formerly Invitae), Labcorp
Classification: Uncertain significance for Neuropathy, hereditary sensory and autonomic, type 2A; Generalized epilepsy with febrile seizures plus, type 7. Last evaluated: 2024-08-27. Review status: criteria provided, single submitter. Criteria: Invitae Variant Classification Sherloc (09022015). Collection method: clinical testing. Allele origin: germline.
Comment: This sequence change affects codon 1334 of the SCN9A mRNA. It is a 'silent' change, meaning that it does not change the encoded amino acid sequence of the SCN9A protein. This variant is not present in population databases (gnomAD no frequency). This variant has not been reported in the literature in individuals affected with SCN9A-related conditions. Algorithms developed to predict the effect of sequence changes on RNA splicing suggest that this variant may disrupt the consensus splice site. In summary, the available evidence is currently insufficient to determine the role of this variant in disease. Therefore, it has been classified as a Variant of Uncertain Significance.